The following is an entry in ClinVar:

ClinVar aggregate classification (germline): Uncertain significance (1 of 4 stars; one submission).

Conditions:
Ehlers-Danlos syndrome, kyphoscoliotic type 1 (EDSKSCL1). Also called: EHLERS-DANLOS SYNDROME, OCULAR-SCOLIOTIC TYPE; PLOD1-Related Kyphoscoliotic Ehlers-Danlos Syndrome; Ehlers-Danlos syndrome, hydroxylysine-deficient; EHLERS-DANLOS SYNDROME, TYPE VIA. Identifiers: Orphanet 1900, MedGen C0268342, MONDO:0016002, OMIM 225400. Disease mechanism: loss of function.

Submission:

Labcorp Genetics (formerly Invitae), Labcorp
Classification: Uncertain significance for Ehlers-Danlos syndrome, kyphoscoliotic type 1. Last evaluated: 2021-11-03. Review status: criteria provided, single submitter. Criteria: Invitae Variant Classification Sherloc (09022015). Collection method: clinical testing. Allele origin: germline.
Comment: In summary, the available evidence is currently insufficient to determine the role of this variant in disease. Therefore, it has been classified as a Variant of Uncertain Significance. Algorithms developed to predict the effect of missense changes on protein structure and function are either unavailable or do not agree on the potential impact of this missense change (SIFT: "Deleterious"; PolyPhen-2: "Possibly Damaging"; Align-GVGD: "Class C0"). This sequence change replaces aspartic acid, which is acidic and polar, with tyrosine, which is neutral and polar, at codon 367 of the PLOD1 protein (p.Asp367Tyr). This variant is not present in population databases (gnomAD no frequency). This variant has not been reported in the literature in individuals affected with PLOD1-related conditions.

NM_000302.4(PLOD1):c.1099G>T (p.Asp367Tyr)

Gene: PLOD1 (procollagen-lysine,2-oxoglutarate 5-dioxygenase 1; plus strand). Cytogenetic location: 1p36.22.
Variant type: single nucleotide variant.
Coding change: c.1099G>T on transcript NM_000302.4 (MANE Select); coding-DNA position 1099, G replaced by T.
Protein change: p.Asp367Tyr; replaces aspartic acid 367 with tyrosine.
Molecular consequence: missense variant.
Genome position (GRCh38, 1-based): chr1:11,963,533, G>T. VCF-style: chr1-11963533-G-T. GRCh37 (hg19) VCF-style: chr1-12023590-G-T.
Other names: c.1240G>T, p.Asp414Tyr (NM_001316320.2); short protein forms D367Y, D414Y.
Identifiers: ClinVar variation 1506780 (VCV001506780.6), dbSNP rs2100756894, ClinGen allele CA338439527.